The following is an entry in ClinVar:

NM_005677.4(COLQ):c.107-9263G>C

Gene: COLQ (collagen like tail subunit of asymmetric acetylcholinesterase; minus strand). Cytogenetic location: 3p25.1.
Variant type: single nucleotide variant.
Coding change: c.107-9263G>C on transcript NM_005677.4 (MANE Select); 9263 bases into the intron before coding-DNA position 107, G replaced by C.
Molecular consequence: intron variant.
Genome position (GRCh38, 1-based): chr3:15,498,900, C>G on the plus strand (G>C on the coding strand, the complement: COLQ is on the minus strand). VCF-style: chr3-15498900-C-G. GRCh37 (hg19) VCF-style: chr3-15540407-C-G.
Other names: c.107-9263G>C (NM_080539.4).
Identifiers: ClinVar variation 749132 (VCV000749132.12), dbSNP rs905126365, ClinGen allele CA70632980.

ClinVar aggregate classification (germline): Likely benign. Review status: criteria provided, multiple submitters, no conflicts (2 of 4 stars). 2 submissions from 2 submitters: Likely benign (2). Last evaluated 2019-08-20.

Conditions:
Congenital myasthenic syndrome 5. Identifiers: Orphanet 590, MedGen C1864233, MONDO:0011281, OMIM 603034.

Allele frequency attached by ClinVar (database versions not stated): TOPMed 0.00007; gnomAD 0.00010 and 0.00011.
gnomAD v4.1: 32 of 1,307,970 alleles (0.0024%); highest among the groups gnomAD compares: African/African-American, 0.034%; no homozygotes.

Submissions (2):

GeneDx
Classification: Likely benign. Last evaluated: 2019-08-20. Review status: criteria provided, single submitter. Criteria: GeneDx Variant Classification Process June 2021. Collection method: clinical testing. Allele origin: germline. Affected: yes.
Comment: See Variant Classification Assertion Criteria.

Labcorp Genetics (formerly Invitae), Labcorp
Classification: Likely benign for Congenital myasthenic syndrome 5. Last evaluated: 2018-02-26. Review status: criteria provided, single submitter. Criteria: Invitae Variant Classification Sherloc (09022015). Collection method: clinical testing. Allele origin: germline.